The following is an entry in ClinVar:

ClinVar aggregate classification (germline): Uncertain significance (1 of 4 stars; one submission).

gnomAD v4.1: 1 of 1,609,950 alleles (0.000062%); highest among the groups gnomAD compares: Non-Finnish European, 0.000085%; no homozygotes.

Submission:

Labcorp Genetics (formerly Invitae), Labcorp
Classification: Uncertain significance. Last evaluated: 2022-05-03. Review status: criteria provided, single submitter. Criteria: Invitae Variant Classification Sherloc (09022015). Collection method: clinical testing. Allele origin: germline.
Comment: This variant is not present in population databases (gnomAD no frequency). This variant has not been reported in the literature in individuals affected with ASPM-related conditions. Algorithms developed to predict the effect of missense changes on protein structure and function are either unavailable or do not agree on the potential impact of this missense change (SIFT: "Tolerated"; PolyPhen-2: "Probably Damaging"; Align-GVGD: "Class C0"). In summary, the available evidence is currently insufficient to determine the role of this variant in disease. Therefore, it has been classified as a Variant of Uncertain Significance. This sequence change replaces leucine, which is neutral and non-polar, with phenylalanine, which is neutral and non-polar, at codon 1394 of the ASPM protein (p.Leu1394Phe).

NM_018136.5(ASPM):c.4180C>T (p.Leu1394Phe)

Gene: ASPM (assembly factor for spindle microtubules; minus strand). Cytogenetic location: 1q31.3.
Variant type: single nucleotide variant.
Coding change: c.4180C>T on transcript NM_018136.5 (MANE Select); coding-DNA position 4180, C replaced by T.
Protein change: p.Leu1394Phe; replaces leucine 1394 with phenylalanine.
Molecular consequence: missense variant. On other transcripts: intron variant (1).
Genome position (GRCh38, 1-based): chr1:197,105,071, G>A on the plus strand (C>T on the coding strand, the complement: ASPM is on the minus strand). VCF-style: chr1-197105071-G-A. GRCh37 (hg19) VCF-style: chr1-197074201-G-A.
Other names: c.4066-8907C>T (NM_001206846.2); short protein forms L1394F.
Identifiers: ClinVar variation 1467062 (VCV001467062.6), dbSNP rs759544893, ClinGen allele CA344031546.
Genomic context (GRCh38, chr1:197,105,071, plus strand): 5'-GATCTTGTTTTCTTCTTAAATAAGCACGCCAATGCCTCTGAATTGTAACTGTAGCCCAAA[G>A]ATATCGTTTATAAGATGTAACAGCAATTATCATTCTTATCCTAGATTGCAGGATGATTGA-3'
Protein context (NP_060606.3, residues 1384-1404): IIAVTSYKRY[Leu1394Phe]WATVTIQRHW